The following is an entry in ClinVar:

NM_000393.5(COL5A2):c.4087G>A (p.Gly1363Ser)

Gene: COL5A2 (collagen type V alpha 2 chain; minus strand). Cytogenetic location: 2q32.2.
Variant type: single nucleotide variant.
Coding change: c.4087G>A on transcript NM_000393.5 (MANE Select); coding-DNA position 4087, G replaced by A.
Protein change: p.Gly1363Ser; replaces glycine 1363 with serine.
Molecular consequence: missense variant.
Genome position (GRCh38, 1-based): chr2:189,036,642, C>T on the plus strand (G>A on the coding strand, the complement: COL5A2 is on the minus strand). VCF-style: chr2-189036642-C-T. GRCh37 (hg19) VCF-style: chr2-189901368-C-T.
Other names: short protein forms G1363S.
Identifiers: ClinVar variation 1310077 (VCV001310077.2), dbSNP rs2153506139, ClinGen allele CA349855484.

ClinVar aggregate classification (germline): Uncertain significance (1 of 4 stars; one submission).

Submission:

GeneDx
Classification: Uncertain significance. Last evaluated: 2019-11-07. Review status: criteria provided, single submitter. Criteria: GeneDx Variant Classification Process June 2021. Collection method: clinical testing. Allele origin: germline. Affected: yes.
Comment: Has not been previously published as pathogenic or benign to our knowledge; Not observed in large population cohorts (Lek et al., 2016); In silico analysis, which includes protein predictors and evolutionary conservation, supports a deleterious effect; Not located in the triple helical region, where the majority of pathogenic missense variants occur (Symoens et al., 2012; Stenson et al., 2014)